The following is an entry in ClinVar:

ClinVar aggregate classification (germline): Uncertain significance (1 of 4 stars; one submission).

Submission:

Labcorp Genetics (formerly Invitae), Labcorp
Classification: Uncertain significance. Last evaluated: 2024-06-17. Review status: criteria provided, single submitter. Criteria: Invitae Variant Classification Sherloc (09022015). Collection method: clinical testing. Allele origin: germline.
Comment: This sequence change replaces serine, which is neutral and polar, with arginine, which is basic and polar, at codon 895 of the GRIN2D protein (p.Ser895Arg). This variant is not present in population databases (gnomAD no frequency). This variant has not been reported in the literature in individuals affected with GRIN2D-related conditions. Advanced modeling of protein sequence and biophysical properties (such as structural, functional, and spatial information, amino acid conservation, physicochemical variation, residue mobility, and thermodynamic stability) performed at Invitae indicates that this missense variant is not expected to disrupt GRIN2D protein function with a negative predictive value of 95%. In summary, the available evidence is currently insufficient to determine the role of this variant in disease. Therefore, it has been classified as a Variant of Uncertain Significance.

NM_000836.4(GRIN2D):c.2685C>G (p.Ser895Arg)

Gene: GRIN2D (glutamate ionotropic receptor NMDA type subunit 2D; plus strand). Cytogenetic location: 19q13.33.
Variant type: single nucleotide variant.
Coding change: c.2685C>G on transcript NM_000836.4 (MANE Select); coding-DNA position 2685, C replaced by G.
Protein change: p.Ser895Arg; replaces serine 895 with arginine.
Molecular consequence: missense variant.
Genome position (GRCh38, 1-based): chr19:48,442,611, C>G. VCF-style: chr19-48442611-C-G. GRCh37 (hg19) VCF-style: chr19-48945868-C-G.
Other names: short protein forms S895R.
Identifiers: ClinVar variation 3636279 (VCV003636279.2).